The following is an entry in ClinVar:

NM_000059.4(BRCA2):c.2182G>T (p.Asp728Tyr)

Gene: BRCA2 (BRCA2 DNA repair associated; plus strand). Cytogenetic location: 13q13.1.
Variant type: single nucleotide variant.
Coding change: c.2182G>T on transcript NM_000059.4 (MANE Select); coding-DNA position 2182, G replaced by T.
Protein change: p.Asp728Tyr; replaces aspartic acid 728 with tyrosine.
Molecular consequence: missense variant.
Genome position (GRCh38, 1-based): chr13:32,336,537, G>T. VCF-style: chr13-32336537-G-T. GRCh37 (hg19) VCF-style: chr13-32910674-G-T.
Other names: short protein forms D728Y.
Identifiers: ClinVar variation 628803 (VCV000628803.12), dbSNP rs1566226248, ClinGen allele CA387770383.
Genomic context (GRCh38, chr13:32,336,537, plus strand): 5'-TCTCTGTCATGCCTGCAGGAAGGACAGTGTGAAAATGATCCAAAAAGCAAAAAAGTTTCA[G>T]ATATAAAAGAAGAGGTCTTGGCTGCAGCATGTCACCCAGTACAACATTCAAAAGTGGAAT-3'
Protein context (NP_000050.3, residues 718-738): ENDPKSKKVS[Asp728Tyr]IKEEVLAAAC

ClinVar aggregate classification (germline): Conflicting classifications of pathogenicity. Review status: criteria provided, conflicting classifications (1 of 4 stars). 3 submissions from 3 submitters: Uncertain significance (2); Likely benign (1). Last evaluated 2023-03-23.

Conditions:
Hereditary cancer-predisposing syndrome. Also called: Neoplastic Syndromes, Hereditary; Tumor predisposition; Hereditary neoplastic syndrome; Hereditary Cancer Syndrome. Identifiers: Orphanet 140162, MedGen C0027672, MeSH D009386, MONDO:0015356.
Hereditary breast ovarian cancer syndrome. Also called: Hereditary breast and ovarian cancer syndrome; Hereditary breast and ovarian cancer; Hereditary breast and ovarian cancer syndrome (HBOC); Breast and ovarian cancer; Hereditary breast and/or ovarian cancer syndrome; BRCA1- and BRCA2-Associated Hereditary Breast and Ovarian Cancer. Identifiers: Orphanet 145, MedGen C0677776, MeSH D061325, MONDO:0003582. Disease mechanism: loss of function.

Submissions (3):

University of Washington Department of Laboratory Medicine, University of Washington
Classification: Likely benign for Hereditary cancer-predisposing syndrome. Last evaluated: 2023-03-23. Review status: criteria provided, single submitter. Criteria: Dines et al. (Genet Med. 2020). Collection method: curation. Allele origin: germline.
Comment: Missense variant in a coldspot region where missense variants are very unlikely to be pathogenic (PMID:31911673).

BRCA2 exon 11 coldspot. Reclassification based on statistical prior probability.

Labcorp Genetics (formerly Invitae), Labcorp
Classification: Uncertain significance for Hereditary breast ovarian cancer syndrome. Last evaluated: 2020-12-23. Review status: criteria provided, single submitter. Criteria: Invitae Variant Classification Sherloc (09022015). Collection method: clinical testing. Allele origin: germline.
Comment: This variant has not been reported in the literature in individuals with BRCA2-related conditions. ClinVar contains an entry for this variant (Variation ID: 628803). This variant is not present in population databases (ExAC no frequency). Advanced modeling of protein sequence and biophysical properties (such as structural, functional, and spatial information, amino acid conservation, physicochemical variation, residue mobility, and thermodynamic stability) performed at Invitae indicates that this missense variant is not expected to disrupt BRCA2 protein function. In summary, the available evidence is currently insufficient to determine the role of this variant in disease. Therefore, it has been classified as a Variant of Uncertain Significance. This sequence change replaces aspartic acid with tyrosine at codon 728 of the BRCA2 protein (p.Asp728Tyr). The aspartic acid residue is moderately conserved and there is a large physicochemical difference between aspartic acid and tyrosine.

Color Diagnostics, LLC DBA Color Health
Classification: Uncertain significance for Hereditary cancer-predisposing syndrome. Last evaluated: 2019-01-05. Review status: criteria provided, single submitter. Criteria: ACMG Guidelines, 2015. Collection method: clinical testing. Allele origin: germline.